The following is an entry in ClinVar:

ClinVar aggregate classification (germline): Pathogenic (1 of 4 stars; one submission).

Conditions:
Focal dermal hypoplasia (FDH). Also called: Goltz syndrome. Identifiers: Orphanet 2092, MedGen C0016395, MONDO:0010592, OMIM 305600.

Submission:

Juno Genomics, Hangzhou Juno Genomics, Inc
Classification: Pathogenic for Focal dermal hypoplasia. Review status: criteria provided, single submitter. Criteria: ACMG Guidelines, 2015. Collection method: clinical testing. Allele origin: germline. Affected: yes.
Comment: Absent from controls (or at extremely low frequency if recessive) in Genome Aggregation Database, Exome Sequencing Project, 1000 Genomes Project, or Exome Aggregation Consortium.;De novo (both maternity and paternity confirmed) in a patient with the disease and no family history.;Null variant in a gene where loss of function (LOF) is a known mechanism of disease.

NM_203475.3(PORCN):c.532C>T (p.Gln178Ter)

Gene: PORCN (porcupine O-acyltransferase; plus strand). Cytogenetic location: Xp11.23.
Variant type: single nucleotide variant.
Coding change: c.532C>T on transcript NM_203475.3 (MANE Select); coding-DNA position 532, C replaced by T.
Protein change: p.Gln178Ter; replaces glutamine 178 with a stop codon.
Molecular consequence: nonsense.
Genome position (GRCh38, 1-based): chrX:48,512,484, C>T. VCF-style: chrX-48512484-C-T. GRCh37 (hg19) VCF-style: chrX-48370872-C-T.
Other names: c.319C>T, p.Gln107Ter (NM_001282167.2); c.532C>T, p.Gln178Ter (NM_022825.4, NM_203473.3, NM_203474.1); short protein forms Q107*, Q178*.
Identifiers: ClinVar variation 3392500 (VCV003392500.2).